The following is an entry in ClinVar:

ClinVar aggregate classification (germline): Uncertain significance (1 of 4 stars; one submission).

Allele frequency attached by ClinVar (database versions not stated): gnomAD 0.00001; TOPMed 0.00002.
gnomAD v4.1: 56 of 1,613,964 alleles (0.0035%); highest among the groups gnomAD compares: Non-Finnish European, 0.0047%; no homozygotes.

Submission:

Labcorp Genetics (formerly Invitae), Labcorp
Classification: Uncertain significance. Last evaluated: 2024-01-05. Review status: criteria provided, single submitter. Criteria: Invitae Variant Classification Sherloc (09022015). Collection method: clinical testing. Allele origin: germline.
Comment: This sequence change replaces glycine, which is neutral and non-polar, with aspartic acid, which is acidic and polar, at codon 215 of the DNAJC17 protein (p.Gly215Asp). This variant is present in population databases (no rsID available, gnomAD 0.002%). This variant has not been reported in the literature in individuals affected with DNAJC17-related conditions. ClinVar contains an entry for this variant (Variation ID: 2160190). An algorithm developed to predict the effect of missense changes on protein structure and function (PolyPhen-2) suggests that this variant is likely to be disruptive. In summary, the available evidence is currently insufficient to determine the role of this variant in disease. Therefore, it has been classified as a Variant of Uncertain Significance.

NM_018163.3(DNAJC17):c.644G>A (p.Gly215Asp)

Gene: DNAJC17 (DnaJ heat shock protein family (Hsp40) member C17; minus strand). Cytogenetic location: 15q15.1.
Variant type: single nucleotide variant.
Coding change: c.644G>A on transcript NM_018163.3 (MANE Select); coding-DNA position 644, G replaced by A.
Protein change: p.Gly215Asp; replaces glycine 215 with aspartic acid.
Molecular consequence: missense variant.
Genome position (GRCh38, 1-based): chr15:40,774,393, C>T on the plus strand (G>A on the coding strand, the complement: DNAJC17 is on the minus strand). VCF-style: chr15-40774393-C-T. GRCh37 (hg19) VCF-style: chr15-41066591-C-T.
Other names: short protein forms G215D.
Identifiers: ClinVar variation 2160190 (VCV002160190.4), dbSNP rs1247652018, ClinGen allele CA391762485.